The following is an entry in ClinVar:

ClinVar aggregate classification (germline): Uncertain significance. Review status: criteria provided, multiple submitters, no conflicts (2 of 4 stars). 3 submissions from 3 submitters: Uncertain significance (3). Last evaluated 2026-09-01.

Conditions:
PLXNA2-related disorder. Also called: PLXNA2-related condition.

Allele frequency attached by ClinVar (database versions not stated): ExAC 0.00002; TOPMed 0.00003; gnomAD 0.00004; gnomAD exomes 0.00004 and 0.00005; ESP Exome Variant Server 0.00008.
gnomAD v4.1: 73 of 1,613,884 alleles (0.0045%); highest among the groups gnomAD compares: East Asian, 0.0089%; no homozygotes.

Submissions (3):

PreventionGenetics, part of Exact Sciences
Classification: Uncertain significance for PLXNA2-related condition. Last evaluated: 2026-09-01. Review status: criteria provided, single submitter. Criteria: ACMG Guidelines, 2015. Collection method: clinical testing. Allele origin: germline.
Comment: The PLXNA2 c.4676G>A variant is predicted to result in the amino acid substitution p.Arg1559Gln. To our knowledge, this variant has not been reported in the literature. This variant is reported in 0.027% of alleles in individuals of East Asian descent in gnomAD. At this time, the clinical significance of this variant is uncertain due to the absence of conclusive functional and genetic evidence.

Ambry Genetics
Classification: Uncertain significance. Last evaluated: 2025-01-26. Review status: criteria provided, single submitter. Criteria: Ambry Variant Classification Scheme 2023. Collection method: clinical testing. Allele origin: germline.

Labcorp Genetics (formerly Invitae), Labcorp
Classification: Uncertain significance. Last evaluated: 2021-11-05. Review status: criteria provided, single submitter. Criteria: Invitae Variant Classification Sherloc (09022015). Collection method: clinical testing. Allele origin: germline.
Comment: This variant is present in population databases (rs199754906, gnomAD 0.03%). This variant has not been reported in the literature in individuals affected with PLXNA2-related conditions. Algorithms developed to predict the effect of missense changes on protein structure and function are either unavailable or do not agree on the potential impact of this missense change (SIFT: "Tolerated"; PolyPhen-2: "Probably Damaging"; Align-GVGD: "Class C0"). In summary, the available evidence is currently insufficient to determine the role of this variant in disease. Therefore, it has been classified as a Variant of Uncertain Significance. This sequence change replaces arginine, which is basic and polar, with glutamine, which is neutral and polar, at codon 1559 of the PLXNA2 protein (p.Arg1559Gln).

NM_025179.4(PLXNA2):c.4676G>A (p.Arg1559Gln)

Gene: PLXNA2 (plexin A2; minus strand). Cytogenetic location: 1q32.2.
Variant type: single nucleotide variant.
Coding change: c.4676G>A on transcript NM_025179.4 (MANE Select); coding-DNA position 4676, G replaced by A.
Protein change: p.Arg1559Gln; replaces arginine 1559 with glutamine.
Molecular consequence: missense variant.
Genome position (GRCh38, 1-based): chr1:208,038,459, C>T on the plus strand (G>A on the coding strand, the complement: PLXNA2 is on the minus strand). VCF-style: chr1-208038459-C-T. GRCh37 (hg19) VCF-style: chr1-208211804-C-T.
Other names: c.4676G>A (NM_025179.3); short protein forms R1559Q.
Identifiers: ClinVar variation 1468976 (VCV001468976.9), dbSNP rs199754906, ClinGen allele CA1372790.
Genomic context (GRCh38, chr1:208,038,459, plus strand): 5'-TTCCAGTCACCCTCAATCTTGGTGGTGATGTCCTCATCTTGCAGCACGACCCGGGCGATC[C>T]GGCCTTGGCGCCACTCTGGGTGGAGGGGGTGGTGCAGGGAGCGGCGTGAGAGGGATGAGG-3'
Protein context (NP_079455.3, residues 1549-1569): VDMDLEWRQG[Arg1559Gln]IARVVLQDED